The following is an entry in ClinVar:

NM_172107.4(KCNQ2):c.1273_1274del (p.Leu425fs)

Gene: KCNQ2 (potassium voltage-gated channel subfamily Q member 2; minus strand). Cytogenetic location: 20q13.33.
Variant type: Deletion.
Coding change: c.1273_1274del on transcript NM_172107.4 (MANE Select); coding-DNA positions 1273 to 1274, 2 bases deleted (CT; older notation c.1273_1274delCT).
Protein change: p.Leu425fs; shifts the reading frame from leucine 425.
Molecular consequence: frameshift variant. On other transcripts: intron variant (4).
Genome position (GRCh38, 1-based): chr20:63,419,646-63,419,647, AG deleted on the plus strand (CT on the coding strand, the reverse complement: KCNQ2 is on the minus strand). VCF-style (leftmost placement, unchanged base first): chr20-63419645-CAG-C. GRCh37 (hg19) VCF-style: chr20-62050998-CAG-C.
Other names: c.1273_1274del (NM_172107.2); c.1273_1274delCT (NM_172107.3); c.1218-4521_1218-4520del (NM_004518.6); c.1247+4530_1247+4531del (NM_172108.5); c.1248-4521_1248-4520del (NM_172106.3, NM_001382235.1); short protein forms L425fs.
Identifiers: ClinVar variation 1925230 (VCV001925230.8), dbSNP rs1568890288, ClinGen allele CA636342166.
Genomic context (GRCh38, chr20:63,419,645, plus strand): 5'-CAGCCGTCAGTCCGTGCGGCGTGTTCCGCGGTACCTAGAGCGTCCGGGGCAGCATCCACA[CAG>C]GGGCCCTCTGCACGGGCTGCCTTTACTGGAAATGAGGAGAGCACAGTTAGTCCTGGGCGC-3'

ClinVar aggregate classification (germline): Conflicting classifications of pathogenicity. Review status: criteria provided, conflicting classifications (1 of 4 stars). 3 submissions from 3 submitters: Pathogenic (1); Likely pathogenic (1); Uncertain significance (1). Last evaluated 2026-05-30.

Conditions:
Early-infantile DEE. Also called: Early infantile epileptic encephalopathy with suppression bursts; Ohtahara syndrome; Early infantile epileptic encephalopathy. Identifiers: Orphanet 1934, MedGen C0393706, MONDO:0800491.
KCNQ2-Related Disorders. Also called: KCNQ2-related disorder; KCNQ2-related condition. Identifiers: MedGen CN169299.

Allele frequency attached by ClinVar (database versions not stated): gnomAD exomes below 0.00001; gnomAD 0.00001.

Submissions (3):

PreventionGenetics, part of Exact Sciences
Classification: Likely pathogenic for KCNQ2-related condition. Last evaluated: 2026-05-30. Review status: criteria provided, single submitter. Criteria: ACMG Guidelines, 2015. Collection method: clinical testing. Allele origin: germline.
Comment: The KCNQ2 c.1273_1274delCT variant is predicted to result in a frameshift and premature protein termination (p.Leu425Valfs*9). To our knowledge, this variant has not been reported in the literature. This variant is reported in one heterozygous individual (0.0064% of alleles) of African descent in gnomAD, indicating this variant is rare. Frameshift variants in KCNQ2 are expected to be pathogenic. This variant is interpreted as likely pathogenic.

GeneDx
Classification: Uncertain significance. Last evaluated: 2025-08-27. Review status: criteria provided, single submitter. Criteria: GeneDx Variant Classification Process June 2021. Collection method: clinical testing. Allele origin: germline.
Comment: Frameshift variant predicted to result in protein truncation or nonsense mediated decay in a gene for which loss of function is a known mechanism of disease; Has not been previously published as pathogenic or benign to our knowledge

Labcorp Genetics (formerly Invitae), Labcorp
Classification: Pathogenic for Early-infantile DEE. Last evaluated: 2023-09-12. Review status: criteria provided, single submitter. Criteria: Invitae Variant Classification Sherloc (09022015). Collection method: clinical testing. Allele origin: germline.
Comment: This variant has not been reported in the literature in individuals affected with KCNQ2-related conditions. ClinVar contains an entry for this variant (Variation ID: 1925230). For these reasons, this variant has been classified as Pathogenic. This variant is present in population databases (no rsID available, gnomAD 0.007%). This sequence change creates a premature translational stop signal (p.Leu425Valfs*9) in the KCNQ2 gene. It is expected to result in an absent or disrupted protein product. Loss-of-function variants in KCNQ2 are known to be pathogenic (PMID: 14534157, 23692823, 27779742).

Literature cited by the submitters: PubMed 14534157 (cited by Labcorp Genetics (formerly Invitae), Labcorp); PubMed 23692823 (cited by Labcorp Genetics (formerly Invitae), Labcorp); PubMed 27779742 (cited by Labcorp Genetics (formerly Invitae), Labcorp).